The following is an entry in ClinVar:

NM_000038.6(APC):c.5303A>T (p.Lys1768Met)

Gene: APC (APC regulator of Wnt signaling pathway; plus strand). Cytogenetic location: 5q22.2.
Variant type: single nucleotide variant.
Coding change: c.5303A>T on transcript NM_000038.6 (MANE Select); coding-DNA position 5303, A replaced by T.
Protein change: p.Lys1768Met; replaces lysine 1768 with methionine.
Molecular consequence: missense variant. On other transcripts: non-coding transcript variant (2).
Genome position (GRCh38, 1-based): chr5:112,840,897, A>T. VCF-style: chr5-112840897-A-T. GRCh37 (hg19) VCF-style: chr5-112176594-A-T.
Other names: c.5303A>T, p.Lys1768Met (NM_001127510.3, NM_001354895.2, NM_001407450.1); c.5000A>T, p.Lys1667Met (NM_001407460.1, NM_001354903.2, NM_001407458.1 and 1 more transcripts); c.4916A>T, p.Lys1639Met (NM_001407467.1, NM_001407469.1); c.4454A>T, p.Lys1485Met (NM_001407470.1, NM_001354906.2); c.4151A>T, p.Lys1384Met (NM_001407471.1, NM_001407472.1); c.5249A>T, p.Lys1750Met (NM_001127511.3); c.5357A>T, p.Lys1786Met (NM_001354896.2, NM_001407447.1, NM_001407448.1 and 1 more transcripts); c.5333A>T, p.Lys1778Met (NM_001354897.2); and 11 more; short protein forms K1727M, K1761M, K1786M, K1639M, K1685M, K1758M, K1778M, K1384M.
Identifiers: ClinVar variation 4121039 (VCV004121039.1).
Genomic context (GRCh38, chr5:112,840,897, plus strand): 5'-ACCAGGTCCAGCAAGCATCTGCGTCTTCTTCTGCACCCAACAAAAATCAGTTAGATGGTA[A>T]GAAAAAGAAACCAACTTCACCAGTAAAACCTATACCACAAAATACTGAATATAGGACACG-3'
Protein context (NP_000029.2, residues 1758-1778): SAPNKNQLDG[Lys1768Met]KKKPTSPVKP

ClinVar aggregate classification (germline): Uncertain significance (1 of 4 stars; one submission).

Conditions:
Hereditary cancer-predisposing syndrome. Also called: Hereditary neoplastic syndrome; Neoplastic Syndromes, Hereditary; Tumor predisposition; Hereditary Cancer Syndrome. Identifiers: Orphanet 140162, MedGen C0027672, MeSH D009386, MONDO:0015356.

Submission:

Ambry Genetics
Classification: Uncertain significance for Hereditary cancer-predisposing syndrome. Last evaluated: 2025-07-17. Review status: criteria provided, single submitter. Criteria: Ambry Variant Classification Scheme 2023. Collection method: clinical testing. Allele origin: germline.
Comment: The p.K1768M variant (also known as c.5303A>T), located in coding exon 15 of the APC gene, results from an A to T substitution at nucleotide position 5303. The lysine at codon 1768 is replaced by methionine, an amino acid with similar properties. This amino acid position is conserved. In addition, in silico predictors for this gene do not accurately predict pathogenicity. Based on the available evidence, the clinical significance of this variant remains unclear.